The following is an entry in ClinVar:

ClinVar aggregate classification (germline): Uncertain significance (1 of 4 stars; one submission).

Conditions:
Fanconi anemia (FA). Also called: Fanconi's anemia. Identifiers: Orphanet 84, MedGen C0015625, MeSH D005199, MONDO:0019391.

Submission:

Labcorp Genetics (formerly Invitae), Labcorp
Classification: Uncertain significance for Fanconi anemia. Last evaluated: 2020-11-13. Review status: criteria provided, single submitter. Criteria: Invitae Variant Classification Sherloc (09022015). Collection method: clinical testing. Allele origin: germline.
Comment: This sequence change falls in intron 11 of the FANCC gene. It does not directly change the encoded amino acid sequence of the FANCC protein. It affects a nucleotide within the consensus splice site of the intron. This variant is not present in population databases (ExAC no frequency). This variant has not been reported in the literature in individuals with FANCC-related conditions. Nucleotide substitutions within the consensus splice site are a relatively common cause of aberrant splicing (PMID: 17576681, 9536098). Algorithms developed to predict the effect of sequence changes on RNA splicing suggest that this variant may disrupt the consensus splice site, but this prediction has not been confirmed by published transcriptional studies. In summary, the available evidence is currently insufficient to determine the role of this variant in disease. Therefore, it has been classified as a Variant of Uncertain Significance.

Literature cited by the submitters: PubMed 17576681; PubMed 9536098.

NM_000136.3(FANCC):c.1072+3G>C

Genes: AOPEP (aminopeptidase O (putative); plus strand), FANCC (FA complementation group C; minus strand). Cytogenetic location: 9q22.32.
Variant type: single nucleotide variant.
Coding change: c.1072+3G>C on transcript NM_000136.3 (MANE Select); 3 bases into the intron after coding-DNA position 1072, G replaced by C.
Molecular consequence: intron variant.
Genome position (GRCh38, 1-based): chr9:95,117,312, C>G on the plus strand (G>C on the coding strand, the complement: FANCC is on the minus strand). VCF-style: chr9-95117312-C-G. GRCh37 (hg19) VCF-style: chr9-97879594-C-G.
Other names: c.1072+3G>C (NM_001243743.2, NM_001243744.2).
Identifiers: ClinVar variation 1493075 (VCV001493075.6), dbSNP rs2134691883, ClinGen allele CA2573144932.